The following is an entry in ClinVar:

NM_001040616.3(LINS1):c.1888G>A (p.Asp630Asn)

Gene: LINS1 (lines homolog 1; minus strand). Cytogenetic location: 15q26.3.
Variant type: single nucleotide variant.
Coding change: c.1888G>A on transcript NM_001040616.3 (MANE Select); coding-DNA position 1888, G replaced by A.
Protein change: p.Asp630Asn; replaces aspartic acid 630 with asparagine.
Molecular consequence: missense variant. On other transcripts: non-coding transcript variant (3).
Genome position (GRCh38, 1-based): chr15:100,569,624, C>T on the plus strand (G>A on the coding strand, the complement: LINS1 is on the minus strand). VCF-style: chr15-100569624-C-T. GRCh37 (hg19) VCF-style: chr15-101109829-C-T.
Other names: c.1141G>A, p.Asp381Asn (NM_001352507.2); c.1735G>A, p.Asp579Asn (NM_001352508.2); short protein forms D630N, D579N, D381N.
Identifiers: ClinVar variation 589353 (VCV000589353.6), dbSNP rs61999316, ClinGen allele CA7759318.

ClinVar aggregate classification (germline): Uncertain significance. Review status: criteria provided, multiple submitters, no conflicts (2 of 4 stars). 2 submissions from 2 submitters: Uncertain significance (2). Last evaluated 2025-11-25.

Conditions:
Inborn genetic diseases. Identifiers: MedGen C0950123, MeSH D030342.

Allele frequency attached by ClinVar (database versions not stated): gnomAD exomes 0.00002; TOPMed 0.00018; 1000 Genomes Project 30x 0.00031; 1000 Genomes Project 0.00040; gnomAD 0.00041; ESP Exome Variant Server 0.00046.
gnomAD v4.1: 75 of 1,613,122 alleles (0.0046%); highest among the groups gnomAD compares: African/African-American, 0.092%; no homozygotes.

Submissions (2):

Women's Health and Genetics/Laboratory Corporation of America, LabCorp
Classification: Uncertain significance. Last evaluated: 2025-11-25. Review status: criteria provided, single submitter. Criteria: LabCorp Variant Classification Summary - May 2015. Collection method: clinical testing. Allele origin: germline.
Comment: Variant summary: LINS1 c.1888G>A (p.Asp630Asn) results in a conservative amino acid change in the encoded protein sequence. Algorithms developed to predict the effect of missense changes on protein structure and function are either unavailable or do not agree on the potential impact of this missense change. The variant allele was found at a frequency of 6.4e-05 in 250906 control chromosomes. This frequency is not significantly higher than estimated for disease-causing variants in LINS1, allowing no conclusion about variant significance. To our knowledge, no occurrence of c.1888G>A in individuals affected with LINS1-related conditions and no experimental evidence demonstrating its impact on protein function have been reported. ClinVar contains an entry for this variant (Variation ID: 589353). Based on the evidence outlined above, the variant was classified as uncertain significance.

Ambry Genetics
Classification: Uncertain significance for Inborn genetic diseases. Last evaluated: 2021-06-22. Review status: criteria provided, single submitter. Criteria: Ambry Variant Classification Scheme 2023. Collection method: clinical testing. Allele origin: germline.